The following is an entry in ClinVar:

ClinVar aggregate classification (germline): Likely benign (1 of 4 stars; one submission).

Conditions:
GRIA4-related disorder. Also called: GRIA4-related condition.

gnomAD v4.1: 160 of 1,613,818 alleles (0.0099%); highest among the groups gnomAD compares: East Asian, 0.35%; no homozygotes.

Submission:

PreventionGenetics, part of Exact Sciences
Classification: Likely benign for GRIA4-related condition. Last evaluated: 2026-06-18. Review status: criteria provided, single submitter. Criteria: ACMG Guidelines, 2015. Collection method: clinical testing. Allele origin: germline.
Comment: This variant is classified as likely benign based on ACMG/AMP sequence variant interpretation guidelines (Richards et al. 2015 PMID: 25741868, with internal and published modifications).

NM_000829.4(GRIA4):c.89-9T>C

Gene: GRIA4 (glutamate ionotropic receptor AMPA type subunit 4; plus strand). Cytogenetic location: 11q22.3.
Variant type: single nucleotide variant.
Coding change: c.89-9T>C on transcript NM_000829.4 (MANE Select); 9 bases into the intron before coding-DNA position 89, T replaced by C.
Molecular consequence: intron variant.
Genome position (GRCh38, 1-based): chr11:105,612,267, T>C. VCF-style: chr11-105612267-T-C. GRCh37 (hg19) VCF-style: chr11-105482994-T-C.
Other names: c.89-9T>C (NM_001440383.1, NM_001440386.1, NM_001440395.1 and 20 more transcripts).
Identifiers: ClinVar variation 4978440 (VCV004978440.1).